The following is an entry in ClinVar:

ClinVar aggregate classification (germline): Uncertain significance (1 of 4 stars; one submission).

Conditions:
Chédiak-Higashi syndrome (CHS). Also called: Chediak-Higashi Syndrome. Identifiers: Orphanet 167, MedGen C0007965, MONDO:0008963, OMIM 214500.

Submission:

Labcorp Genetics (formerly Invitae), Labcorp
Classification: Uncertain significance for Chédiak-Higashi syndrome. Last evaluated: 2018-07-28. Review status: criteria provided, single submitter. Criteria: Invitae Variant Classification Sherloc (09022015). Collection method: clinical testing. Allele origin: germline.
Comment: In summary, the available evidence is currently insufficient to determine the role of this variant in disease. Therefore, it has been classified as a Variant of Uncertain Significance. Algorithms developed to predict the effect of missense changes on protein structure and function (SIFT, PolyPhen-2, Align-GVGD) all suggest that this variant is likely to be tolerated, but these predictions have not been confirmed by published functional studies and their clinical significance is uncertain. This variant has not been reported in the literature in individuals with LYST-related disease. This variant is not present in population databases (ExAC no frequency). This sequence change replaces glycine with glutamic acid at codon 2219 of the LYST protein (p.Gly2219Glu). The glycine residue is weakly conserved and there is a moderate physicochemical difference between glycine and glutamic acid.

NM_000081.4(LYST):c.6656G>A (p.Gly2219Glu)

Gene: LYST (lysosomal trafficking regulator; minus strand). Cytogenetic location: 1q42.3.
Variant type: single nucleotide variant.
Coding change: c.6656G>A on transcript NM_000081.4 (MANE Select); coding-DNA position 6656, G replaced by A.
Protein change: p.Gly2219Glu; replaces glycine 2219 with glutamic acid.
Molecular consequence: missense variant.
Genome position (GRCh38, 1-based): chr1:235,759,197, C>T on the plus strand (G>A on the coding strand, the complement: LYST is on the minus strand). VCF-style: chr1-235759197-C-T. GRCh37 (hg19) VCF-style: chr1-235922497-C-T.
Other names: c.6656G>A, p.Gly2219Glu (NM_001301365.1); short protein forms G2219E.
Identifiers: ClinVar variation 645253 (VCV000645253.5), dbSNP rs2527806768, ClinGen allele CA344940045.